The following is an entry in ClinVar:

ClinVar aggregate classification (germline): Uncertain significance (1 of 4 stars; one submission).

Allele frequency attached by ClinVar (database versions not stated): TOPMed below 0.00001.

Submission:

Labcorp Genetics (formerly Invitae), Labcorp
Classification: Uncertain significance. Last evaluated: 2021-12-19. Review status: criteria provided, single submitter. Criteria: Invitae Variant Classification Sherloc (09022015). Collection method: clinical testing. Allele origin: germline.
Comment: In summary, the available evidence is currently insufficient to determine the role of this variant in disease. Therefore, it has been classified as a Variant of Uncertain Significance. Algorithms developed to predict the effect of missense changes on protein structure and function are either unavailable or do not agree on the potential impact of this missense change (SIFT: "Deleterious"; PolyPhen-2: "Probably Damaging"; Align-GVGD: "Class C15"). This variant has not been reported in the literature in individuals affected with SULF1-related conditions. This variant is not present in population databases (gnomAD no frequency). This sequence change replaces arginine, which is basic and polar, with glycine, which is neutral and non-polar, at codon 213 of the SULF1 protein (p.Arg213Gly).

NM_001128205.2(SULF1):c.637A>G (p.Arg213Gly)

Gene: SULF1 (sulfatase 1; plus strand). Cytogenetic location: 8q13.2.
Variant type: single nucleotide variant.
Coding change: c.637A>G on transcript NM_001128205.2 (MANE Select); coding-DNA position 637, A replaced by G.
Protein change: p.Arg213Gly; replaces arginine 213 with glycine.
Molecular consequence: missense variant. On other transcripts: non-coding transcript variant (2).
Genome position (GRCh38, 1-based): chr8:69,589,044, A>G. VCF-style: chr8-69589044-A-G. GRCh37 (hg19) VCF-style: chr8-70501279-A-G.
Other names: c.637A>G, p.Arg213Gly (NM_001128204.2, NM_001128206.2, NM_001412828.1 and 19 more transcripts); c.451A>G, p.Arg151Gly (NM_001412841.1, NM_001412842.1); short protein forms R151G, R213G.
Identifiers: ClinVar variation 2049025 (VCV002049025.4), dbSNP rs1806675609, ClinGen allele CA371225599.